The following is an entry in ClinVar:

NM_000552.5(VWF):c.7649C>G (p.Pro2550Arg)

Gene: VWF (von Willebrand factor; minus strand). Cytogenetic location: 12p13.31.
Variant type: single nucleotide variant.
Coding change: c.7649C>G on transcript NM_000552.5 (MANE Select); coding-DNA position 7649, C replaced by G.
Protein change: p.Pro2550Arg; replaces proline 2550 with arginine.
Molecular consequence: missense variant.
Genome position (GRCh38, 1-based): chr12:5,969,291, G>C on the plus strand (C>G on the coding strand, the complement: VWF is on the minus strand). VCF-style: chr12-5969291-G-C. GRCh37 (hg19) VCF-style: chr12-6078457-G-C.
Other names: short protein forms P2550R.
Identifiers: ClinVar variation 3768847 (VCV003768847.1).

ClinVar aggregate classification (germline): Uncertain significance (1 of 4 stars; one submission).

Submission:

Women's Health and Genetics/Laboratory Corporation of America, LabCorp
Classification: Uncertain significance. Last evaluated: 2025-02-24. Review status: criteria provided, single submitter. Criteria: LabCorp Variant Classification Summary - May 2015. Collection method: clinical testing. Allele origin: germline.
Comment: Variant summary: VWF c.7649C>G (p.Pro2550Arg) results in a non-conservative amino acid change in the encoded protein sequence. Four of five in-silico tools predict a benign effect of the variant on protein function. The variant was absent in 251360 control chromosomes. The available data on variant occurrences in the general population are insufficient to allow any conclusion about variant significance. To our knowledge, no occurrence of c.7649C>G in individuals affected with Von Willebrand Disease and no experimental evidence demonstrating its impact on protein function have been reported. No submitters have cited clinical-significance assessments for this variant to ClinVar. Based on the evidence outlined above, the variant was classified as uncertain significance.